The following is an entry in ClinVar:

ClinVar aggregate classification (germline): Uncertain significance. Review status: criteria provided, multiple submitters, no conflicts (2 of 4 stars). 2 submissions from 2 submitters: Uncertain significance (2). Last evaluated 2022-12-22.

Conditions:
Hereditary cancer-predisposing syndrome. Also called: Hereditary Cancer Syndrome; Hereditary neoplastic syndrome; Neoplastic Syndromes, Hereditary; Tumor predisposition. Identifiers: Orphanet 140162, MedGen C0027672, MeSH D009386, MONDO:0015356.

Submissions (2):

Blueprint Genetics
Classification: Uncertain significance. Last evaluated: 2022-12-22. Review status: criteria provided, single submitter. Criteria: ACMG Guidelines, 2015. Collection method: clinical testing. Allele origin: germline.

Ambry Genetics
Classification: Uncertain significance for Hereditary cancer-predisposing syndrome. Last evaluated: 2022-01-18. Review status: criteria provided, single submitter. Criteria: Ambry Variant Classification Scheme 2023. Collection method: clinical testing. Allele origin: germline.
Comment: The p.K635E variant (also known as c.1903A>G), located in coding exon 11 of the SMARCA4 gene, results from an A to G substitution at nucleotide position 1903. The lysine at codon 635 is replaced by glutamic acid, an amino acid with similar properties. This amino acid position is highly conserved in available vertebrate species. In addition, the in silico prediction for this alteration is inconclusive. Missense and in-frame variants in SMARCA4 are known to cause neurodevelopmental disorders; however, such associations with rhabdoid tumor predisposition syndrome including small cell carcinoma of the ovary-hypercalcemic type (SCCOHT) are exceedingly rare (Kosho T et al. Am J Med Genet C Semin Med Genet. 2014 Sep;166C(3):262-75; Jelinic P et al. Nat Genet. 2014 May;46(5):424-6). Based on the supporting evidence, the association of this alteration with Coffin-Siris syndrome is unknown; however, the association of this alteration with rhabdoid tumor predisposition syndrome including SCCOHT is unlikely.

NM_003072.5(SMARCA4):c.1903A>G (p.Lys635Glu)

Gene: SMARCA4 (SWI/SNF related BAF chromatin remodeling complex subunit ATPase 4; plus strand). Cytogenetic location: 19p13.2.
Variant type: single nucleotide variant.
Coding change: c.1903A>G on transcript NM_003072.5 (MANE Select); coding-DNA position 1903, A replaced by G.
Protein change: p.Lys635Glu; replaces lysine 635 with glutamic acid.
Molecular consequence: missense variant. On other transcripts: non-coding transcript variant (1).
Genome position (GRCh38, 1-based): chr19:11,003,119, A>G. VCF-style: chr19-11003119-A-G. GRCh37 (hg19) VCF-style: chr19-11113795-A-G.
Other names: c.1903A>G, p.Lys635Glu (NM_001128844.3, NM_001128845.2, NM_001128846.2 and 6 more transcripts); short protein forms K635E.
Identifiers: ClinVar variation 1782342 (VCV001782342.3), dbSNP rs2146097962, ClinGen allele CA404051639.